The following is an entry in ClinVar:

ClinVar aggregate classification (germline): Uncertain significance (1 of 4 stars; one submission).

Allele frequency attached by ClinVar (database versions not stated): gnomAD exomes below 0.00001; TOPMed below 0.00001.
gnomAD v4.1: 1 of 1,614,154 alleles (0.000062%); highest among the groups gnomAD compares: Non-Finnish European, 0.000085%; no homozygotes.

Submission:

GeneDx
Classification: Uncertain significance. Last evaluated: 2016-10-21. Review status: criteria provided, single submitter. Criteria: GeneDx Variant Classification (06012015). Collection method: clinical testing. Allele origin: germline. Affected: yes.
Comment: p.Gly424Arg (GGA>AGA): c.1270 G>A in exon 10 of the FBN2 gene (NM_001999.3) The Gly424Arg variant in the FBN2 gene has not been reported as a disease-causing mutation or as a benign polymorphism to our knowledge. Gly424Arg results in a non-conservative amino acid substitution of a non-polar Glycine with a positively charged Arginine at a position that is conserved across species. The Gly424Arg variant was not observed in approximately 6,500 individuals of European and African American ancestry in the NHLBI Exome Sequencing Project, indicating it is not a common benign variant in these populations. Nevertheless, no mutations in nearby residues have been reported in association with contractural arachnodactyly, indicating this region of the protein may be tolerant of change. With the clinical and molecular information available at this time, we cannot definitively determine if Gly424Arg is a disease-causing mutation or a rare benign variant. This variant was found in TAAD

NM_001999.4(FBN2):c.1270G>A (p.Gly424Arg)

Gene: FBN2 (fibrillin 2; minus strand). Cytogenetic location: 5q23.3.
Variant type: single nucleotide variant.
Coding change: c.1270G>A on transcript NM_001999.4 (MANE Select); coding-DNA position 1270, G replaced by A.
Protein change: p.Gly424Arg; replaces glycine 424 with arginine.
Molecular consequence: missense variant.
Genome position (GRCh38, 1-based): chr5:128,393,330, C>T on the plus strand (G>A on the coding strand, the complement: FBN2 is on the minus strand). VCF-style: chr5-128393330-C-T. GRCh37 (hg19) VCF-style: chr5-127729023-C-T.
Other names: short protein forms G424R.
Identifiers: ClinVar variation 213270 (VCV000213270.2), dbSNP rs863223550, ClinGen allele CA324840.
Genomic context (GRCh38, chr5:128,393,330, plus strand): 5'-GGGCAAAGCCATTTCCCCCAGTGCCTCCAGGTCTGGAACCAGCACTCCCTGGAATTCCTC[C>T]CATTGGAAGTCCATCCATGCAAAGTCTGCGATATTCCTCTAGAAGAAAAGAAAGTTGGCA-3'
Protein context (NP_001990.2, residues 414-434): RRLCMDGLPM[Gly424Arg]GIPGSAGSRP